The following is an entry in ClinVar:

ClinVar aggregate classification (germline): Uncertain significance. Review status: criteria provided, multiple submitters, no conflicts (2 of 4 stars). 2 submissions from 2 submitters: Uncertain significance (2). Last evaluated 2025-01-05.

Conditions:
EGFR-related lung cancer (EGFR). Identifiers: MedGen CN130014.
Hereditary cancer-predisposing syndrome. Also called: Hereditary Cancer Syndrome; Hereditary neoplastic syndrome; Tumor predisposition; Neoplastic Syndromes, Hereditary. Identifiers: Orphanet 140162, MedGen C0027672, MeSH D009386, MONDO:0015356.

Allele frequency attached by ClinVar (database versions not stated): gnomAD exomes below 0.00001.
gnomAD v4.1: 1 of 1,614,148 alleles (0.000062%); highest among the groups gnomAD compares: Non-Finnish European, 0.000085%; no homozygotes.

Submissions (2):

Ambry Genetics
Classification: Uncertain significance for Hereditary cancer-predisposing syndrome. Last evaluated: 2025-01-05. Review status: criteria provided, single submitter. Criteria: Ambry Variant Classification Scheme 2023. Collection method: clinical testing. Allele origin: germline.
Comment: The p.G42S variant (also known as c.124G>A), located in coding exon 2 of the EGFR gene, results from a G to A substitution at nucleotide position 124. The glycine at codon 42 is replaced by serine, an amino acid with similar properties. This amino acid position is conserved. In addition, the in silico prediction for this alteration is inconclusive. Based on the available evidence, the clinical significance of this variant remains unclear.

Labcorp Genetics (formerly Invitae), Labcorp
Classification: Uncertain significance for EGFR-related lung cancer. Last evaluated: 2022-12-09. Review status: criteria provided, single submitter. Criteria: Invitae Variant Classification Sherloc (09022015). Collection method: clinical testing. Allele origin: germline.
Comment: In summary, the available evidence is currently insufficient to determine the role of this variant in disease. Therefore, it has been classified as a Variant of Uncertain Significance. Advanced modeling of protein sequence and biophysical properties (such as structural, functional, and spatial information, amino acid conservation, physicochemical variation, residue mobility, and thermodynamic stability) performed at Invitae indicates that this missense variant is not expected to disrupt EGFR protein function. ClinVar contains an entry for this variant (Variation ID: 1399127). This variant has not been reported in the literature in individuals affected with EGFR-related conditions. This variant is present in population databases (no rsID available, gnomAD 0.0009%). This sequence change replaces glycine, which is neutral and non-polar, with serine, which is neutral and polar, at codon 42 of the EGFR protein (p.Gly42Ser).

NM_005228.5(EGFR):c.124G>A (p.Gly42Ser)

Gene: EGFR (epidermal growth factor receptor; plus strand). Cytogenetic location: 7p11.2.
Variant type: single nucleotide variant.
Coding change: c.124G>A on transcript NM_005228.5 (MANE Select); coding-DNA position 124, G replaced by A.
Protein change: p.Gly42Ser; replaces glycine 42 with serine.
Molecular consequence: missense variant. On other transcripts: 5 prime UTR variant (1), intron variant (1).
Genome position (GRCh38, 1-based): chr7:55,142,321, G>A. VCF-style: chr7-55142321-G-A. GRCh37 (hg19) VCF-style: chr7-55210014-G-A.
Other names: c.124G>A, p.Gly42Ser (NM_001346897.2, NM_001346898.2, NM_001346899.2 and 3 more transcripts); c.-36G>A (NM_001346900.2); c.89-13509G>A (NM_001346941.2); c.124G>A (NM_005228.3); short protein forms G42S.
Identifiers: ClinVar variation 1399127 (VCV001399127.9), dbSNP rs1442908038, ClinGen allele CA367574276.